The following is an entry in ClinVar:

NM_001366385.1(CARD14):c.159C>G (p.Asp53Glu)

Gene: CARD14 (caspase recruitment domain family member 14; plus strand). Cytogenetic location: 17q25.3.
Variant type: single nucleotide variant.
Coding change: c.159C>G on transcript NM_001366385.1 (MANE Select); coding-DNA position 159, C replaced by G.
Protein change: p.Asp53Glu; replaces aspartic acid 53 with glutamic acid.
Molecular consequence: missense variant. On other transcripts: non-coding transcript variant (1).
Genome position (GRCh38, 1-based): chr17:80,181,597, C>G. VCF-style: chr17-80181597-C-G. GRCh37 (hg19) VCF-style: chr17-78155396-C-G.
Other names: c.159C>G, p.Asp53Glu (NM_001257970.1, NM_024110.4); short protein forms D53E.
Identifiers: ClinVar variation 1422521 (VCV001422521.6), dbSNP rs368565321, ClinGen allele CA8816342.

ClinVar aggregate classification (germline): Uncertain significance (1 of 4 stars; one submission).

Conditions:
Pityriasis rubra pilaris (PRP). Also called: Pityriasis rubra pilaris--familial type. Identifiers: Orphanet 2897, MedGen C0032027, MONDO:0100017, OMIM 173200, MONDO:0008251.
Psoriasis 2. Identifiers: MedGen C1864497, MONDO:0011269, OMIM 602723.

gnomAD v4.1: 143 of 1,559,790 alleles (0.0092%); highest among the groups gnomAD compares: Non-Finnish European, 0.012%; no homozygotes.

Submission:

Labcorp Genetics (formerly Invitae), Labcorp
Classification: Uncertain significance for Pityriasis rubra pilaris; Psoriasis 2. Last evaluated: 2024-08-20. Review status: criteria provided, single submitter. Criteria: Invitae Variant Classification Sherloc (09022015). Collection method: clinical testing. Allele origin: germline.
Comment: This sequence change replaces aspartic acid, which is acidic and polar, with glutamic acid, which is acidic and polar, at codon 53 of the CARD14 protein (p.Asp53Glu). This variant is present in population databases (rs368565321, gnomAD 0.002%). This variant has not been reported in the literature in individuals affected with CARD14-related conditions. ClinVar contains an entry for this variant (Variation ID: 1422521). Invitae Evidence Modeling of protein sequence and biophysical properties (such as structural, functional, and spatial information, amino acid conservation, physicochemical variation, residue mobility, and thermodynamic stability) indicates that this missense variant is expected to disrupt CARD14 protein function with a positive predictive value of 80%. In summary, the available evidence is currently insufficient to determine the role of this variant in disease. Therefore, it has been classified as a Variant of Uncertain Significance.